The following is an entry in ClinVar:

ClinVar aggregate classification (germline): Uncertain significance. Review status: criteria provided, multiple submitters, no conflicts (2 of 4 stars). 2 submissions from 2 submitters: Uncertain significance (2). Last evaluated 2023-05-31.

Conditions:
Peroxisome biogenesis disorder 3A (Zellweger). Also called: PEROXISOMAL BIOGENESIS DISORDER 3A (ZELLWEGER); Peroxisome biogenesis disorder 3A. Identifiers: Orphanet 912, MedGen C3553929, MONDO:0013927, OMIM 614859.
Inborn genetic diseases. Identifiers: MedGen C0950123, MeSH D030342.

Allele frequency attached by ClinVar (database versions not stated): gnomAD exomes below 0.00001; gnomAD 0.00001.
gnomAD v4.1: 3 of 1,613,946 alleles (0.00019%); highest among the groups gnomAD compares: African/African-American, 0.0013%; no homozygotes.

Submissions (2):

Ambry Genetics
Classification: Uncertain significance for Inborn genetic diseases. Last evaluated: 2023-05-31. Review status: criteria provided, single submitter. Criteria: Ambry Variant Classification Scheme 2023. Collection method: clinical testing. Allele origin: germline.

Labcorp Genetics (formerly Invitae), Labcorp
Classification: Uncertain significance for Peroxisome biogenesis disorder 3A (Zellweger). Last evaluated: 2021-08-30. Review status: criteria provided, single submitter. Criteria: Invitae Variant Classification Sherloc (09022015). Collection method: clinical testing. Allele origin: germline.
Comment: This sequence change replaces glycine with alanine at codon 88 of the PEX12 protein (p.Gly88Ala). The glycine residue is highly conserved and there is a small physicochemical difference between glycine and alanine. This variant is not present in population databases (ExAC no frequency). This variant has not been reported in the literature in individuals affected with PEX12-related conditions. Algorithms developed to predict the effect of missense changes on protein structure and function are either unavailable or do not agree on the potential impact of this missense change (SIFT: "Tolerated"; PolyPhen-2: "Possibly Damaging"; Align-GVGD: "Class C0"). In summary, the available evidence is currently insufficient to determine the role of this variant in disease. Therefore, it has been classified as a Variant of Uncertain Significance.

NM_000286.3(PEX12):c.263G>C (p.Gly88Ala)

Gene: PEX12 (peroxisomal biogenesis factor 12; minus strand). Cytogenetic location: 17q12.
Variant type: single nucleotide variant.
Coding change: c.263G>C on transcript NM_000286.3 (MANE Select); coding-DNA position 263, G replaced by C.
Protein change: p.Gly88Ala; replaces glycine 88 with alanine.
Molecular consequence: missense variant.
Genome position (GRCh38, 1-based): chr17:35,577,455, C>G on the plus strand (G>C on the coding strand, the complement: PEX12 is on the minus strand). VCF-style: chr17-35577455-C-G. GRCh37 (hg19) VCF-style: chr17-33904474-C-G.
Other names: c.263G>C (NM_000286.2); short protein forms G88A.
Identifiers: ClinVar variation 998967 (VCV000998967.7), dbSNP rs1195136213, ClinGen allele CA399138509.